The following is an entry in ClinVar:

ClinVar aggregate classification (germline): Likely benign. Review status: criteria provided, multiple submitters, no conflicts (2 of 4 stars). 3 submissions from 3 submitters: Likely benign (3). Last evaluated 2025-11-08.

Allele frequency attached by ClinVar (database versions not stated): gnomAD 0.00013; ExAC 0.00017; gnomAD exomes 0.00018; TOPMed 0.00028; ESP Exome Variant Server 0.00031.
gnomAD v4.1: 695 of 1,601,626 alleles (0.043%); highest among the groups gnomAD compares: Non-Finnish European, 0.055%; no homozygotes.

Submissions (3):

Labcorp Genetics (formerly Invitae), Labcorp
Classification: Likely benign. Last evaluated: 2025-11-08. Review status: criteria provided, single submitter. Criteria: Invitae Variant Classification Sherloc (09022015). Collection method: clinical testing. Allele origin: germline.

Blueprint Genetics
Classification: Likely benign. Last evaluated: 2024-09-01. Review status: criteria provided, single submitter. Criteria: ACMG Guidelines, 2015. Collection method: clinical testing. Allele origin: germline.

Laboratory for Molecular Medicine, Mass General Brigham Personalized Medicine
Classification: Likely benign. Last evaluated: 2015-08-06. Review status: criteria provided, single submitter. Criteria: LMM Criteria. Collection method: clinical testing. Allele origin: germline. Observed: 1 variant allele.
Comment: c.555+15C>T in intron 4 of CLPP: This variant is not expected to have clinical s ignificance because it is not located within the conserved splice consensus sequ ence. It has been identified in 17/61636 European chromosomes by the Exome Aggre gation Consortium (ExAC).

NM_006012.4(CLPP):c.555+15C>T

Gene: CLPP (caseinolytic mitochondrial matrix peptidase proteolytic subunit; plus strand). Cytogenetic location: 19p13.3.
Variant type: single nucleotide variant.
Coding change: c.555+15C>T on transcript NM_006012.4 (MANE Select); 15 bases into the intron after coding-DNA position 555, C replaced by T.
Molecular consequence: intron variant.
Genome position (GRCh38, 1-based): chr19:6,364,654, C>T. VCF-style: chr19-6364654-C-T. GRCh37 (hg19) VCF-style: chr19-6364665-C-T.
Identifiers: ClinVar variation 227255 (VCV000227255.12), dbSNP rs371120549, ClinGen allele CA9122943.